The following is an entry in ClinVar:

NM_006231.4(POLE):c.1490C>T (p.Ser497Phe)

Gene: POLE (DNA polymerase epsilon, catalytic subunit; minus strand). Cytogenetic location: 12q24.33.
Variant type: single nucleotide variant.
Coding change: c.1490C>T on transcript NM_006231.4 (MANE Select); coding-DNA position 1490, C replaced by T.
Protein change: p.Ser497Phe; replaces serine 497 with phenylalanine.
Molecular consequence: missense variant.
Genome position (GRCh38, 1-based): chr12:132,672,823, G>A on the plus strand (C>T on the coding strand, the complement: POLE is on the minus strand). VCF-style: chr12-132672823-G-A. GRCh37 (hg19) VCF-style: chr12-133249409-G-A.
Other names: short protein forms S497F.
Identifiers: ClinVar variation 1997164 (VCV001997164.4), dbSNP rs762821424, ClinGen allele CA6893928.

ClinVar aggregate classification (germline): Uncertain significance (1 of 4 stars; one submission).

Allele frequency attached by ClinVar (database versions not stated): ExAC 0.00001; gnomAD 0.00001.

Submission:

Labcorp Genetics (formerly Invitae), Labcorp
Classification: Uncertain significance. Last evaluated: 2022-05-20. Review status: criteria provided, single submitter. Criteria: Invitae Variant Classification Sherloc (09022015). Collection method: clinical testing. Allele origin: germline.
Comment: In summary, the available evidence is currently insufficient to determine the role of this variant in disease. Therefore, it has been classified as a Variant of Uncertain Significance. Algorithms developed to predict the effect of missense changes on protein structure and function (SIFT, PolyPhen-2, Align-GVGD) all suggest that this variant is likely to be disruptive. This variant has not been reported in the literature in individuals affected with POLE-related conditions. This variant is present in population databases (rs762821424, gnomAD 0.004%). This sequence change replaces serine, which is neutral and polar, with phenylalanine, which is neutral and non-polar, at codon 497 of the POLE protein (p.Ser497Phe).